The following is an entry in ClinVar:

NM_014633.5(CTR9):c.3519C>G (p.Asp1173Glu)

Gene: CTR9 (CTR9 component of Paf1/RNA polymerase II complex; plus strand). Cytogenetic location: 11p15.4.
Variant type: single nucleotide variant.
Coding change: c.3519C>G on transcript NM_014633.5 (MANE Select); coding-DNA position 3519, C replaced by G.
Protein change: p.Asp1173Glu; replaces aspartic acid 1173 with glutamic acid.
Molecular consequence: missense variant.
Genome position (GRCh38, 1-based): chr11:10,779,102, C>G. VCF-style: chr11-10779102-C-G. GRCh37 (hg19) VCF-style: chr11-10800649-C-G.
Other names: c.3447C>G, p.Asp1149Glu (NM_001346279.2); short protein forms D1149E, D1173E.
Identifiers: ClinVar variation 4976288 (VCV004976288.1).
Genomic context (GRCh38, chr11:10,779,102, plus strand): 5'-AGAGGGATCCAACAATGAGGCCTCAGATAGAGGCTCAGAACATGGGTCAGATGATAGTGA[C>G]TAGGTTTTATTTCATCAATAAGCTTCATCTCTGGAGGAAACTTTTTTAATATATGAAAGC-3'
Protein context (NP_055448.1, residues 1163-1173): RGSEHGSDDS[Asp1173Glu]

ClinVar aggregate classification (germline): Uncertain significance (1 of 4 stars; one submission).

Submission:

GeneDx
Classification: Uncertain significance. Last evaluated: 2026-02-06. Review status: criteria provided, single submitter. Criteria: GeneDx Variant Classification Process June 2021. Collection method: clinical testing. Allele origin: germline.
Comment: Not observed at significant frequency in large population cohorts (gnomAD); In silico analysis suggests that this missense variant does not alter protein structure/function; Has not been previously published as pathogenic or benign to our knowledge